The following is an entry in ClinVar:

ClinVar aggregate classification (germline): Uncertain significance. Review status: criteria provided, multiple submitters, no conflicts (2 of 4 stars). 2 submissions from 2 submitters: Uncertain significance (2). Last evaluated 2024-01-21.

Conditions:
Familial sleep-related hypermotor epilepsy. Also called: Autosomal Dominant Sleep-Related Hypermotor (Hyperkinetic) Epilepsy. Identifiers: Orphanet 98784, MedGen C3696898, MONDO:0000030.

Allele frequency attached by ClinVar (database versions not stated): gnomAD exomes below 0.00001 and 0.00001; TOPMed below 0.00001.
gnomAD v4.1: 3 of 1,582,196 alleles (0.00019%); highest among the groups gnomAD compares: African/African-American, 0.0013%; no homozygotes.

Submissions (2):

Labcorp Genetics (formerly Invitae), Labcorp
Classification: Uncertain significance. Last evaluated: 2024-01-21. Review status: criteria provided, single submitter. Criteria: Invitae Variant Classification Sherloc (09022015). Collection method: clinical testing. Allele origin: germline.
Comment: This sequence change replaces proline, which is neutral and non-polar, with serine, which is neutral and polar, at codon 418 of the CHRNA4 protein (p.Pro418Ser). The frequency data for this variant in the population databases is considered unreliable, as metrics indicate poor data quality at this position in the gnomAD database. This variant has not been reported in the literature in individuals affected with CHRNA4-related conditions. ClinVar contains an entry for this variant (Variation ID: 1303632). Advanced modeling of protein sequence and biophysical properties (such as structural, functional, and spatial information, amino acid conservation, physicochemical variation, residue mobility, and thermodynamic stability) performed at Invitae indicates that this missense variant is not expected to disrupt CHRNA4 protein function with a negative predictive value of 80%. In summary, the available evidence is currently insufficient to determine the role of this variant in disease. Therefore, it has been classified as a Variant of Uncertain Significance.

GeneDx
Classification: Uncertain significance. Last evaluated: 2019-08-19. Review status: criteria provided, single submitter. Criteria: GeneDx Variant Classification Process June 2021. Collection method: clinical testing. Allele origin: germline. Affected: yes.
Comment: In silico analysis, which includes protein predictors and evolutionary conservation, supports that this variant does not alter protein structure/function; Has not been previously published as pathogenic or benign to our knowledge

NM_000744.7(CHRNA4):c.1252C>T (p.Pro418Ser)

Gene: CHRNA4 (cholinergic receptor nicotinic alpha 4 subunit; minus strand). Cytogenetic location: 20q13.33.
Variant type: single nucleotide variant.
Coding change: c.1252C>T on transcript NM_000744.7 (MANE Select); coding-DNA position 1252, C replaced by T.
Protein change: p.Pro418Ser; replaces proline 418 with serine.
Molecular consequence: missense variant. On other transcripts: non-coding transcript variant (1).
Genome position (GRCh38, 1-based): chr20:63,350,159, G>A on the plus strand (C>T on the coding strand, the complement: CHRNA4 is on the minus strand). VCF-style: chr20-63350159-G-A. GRCh37 (hg19) VCF-style: chr20-61981511-G-A.
Other names: c.724C>T, p.Pro242Ser (NM_001256573.2); short protein forms P242S, P418S.
Identifiers: ClinVar variation 1303632 (VCV001303632.5), dbSNP rs1412148347, ClinGen allele CA409634006.